The following is an entry in ClinVar:

NM_000321.3(RB1):c.2378C>T (p.Pro793Leu)

Gene: RB1 (RB transcriptional corepressor 1; plus strand). Cytogenetic location: 13q14.2.
Variant type: single nucleotide variant.
Coding change: c.2378C>T on transcript NM_000321.3 (MANE Select); coding-DNA position 2378, C replaced by T.
Protein change: p.Pro793Leu; replaces proline 793 with leucine.
Molecular consequence: missense variant.
Genome position (GRCh38, 1-based): chr13:48,465,257, C>T. VCF-style: chr13-48465257-C-T. GRCh37 (hg19) VCF-style: chr13-49039393-C-T.
Other names: c.2378C>T, p.Pro793Leu (NM_001407165.1); short protein forms P793L.
Identifiers: ClinVar variation 3430928 (VCV003430928.1).

ClinVar aggregate classification (germline): Uncertain significance (1 of 4 stars; one submission).

Conditions:
Hereditary cancer-predisposing syndrome. Also called: Neoplastic Syndromes, Hereditary; Tumor predisposition; Hereditary Cancer Syndrome; Hereditary neoplastic syndrome. Identifiers: Orphanet 140162, MedGen C0027672, MeSH D009386, MONDO:0015356.

Submission:

Ambry Genetics
Classification: Uncertain significance for Hereditary cancer-predisposing syndrome. Last evaluated: 2024-11-22. Review status: criteria provided, single submitter. Criteria: Ambry Variant Classification Scheme 2023. Collection method: clinical testing. Allele origin: germline.
Comment: The p.P793L variant (also known as c.2378C>T), located in coding exon 23 of the RB1 gene, results from a C to T substitution at nucleotide position 2378. The proline at codon 793 is replaced by leucine, an amino acid with similar properties. This amino acid position is conserved. In addition, this alteration is predicted to be tolerated by in silico analysis. Based on the available evidence, the clinical significance of this variant remains unclear.